The following is an entry in ClinVar:

ClinVar aggregate classification (germline): Conflicting classifications of pathogenicity. Review status: criteria provided, conflicting classifications (1 of 4 stars). 6 submissions from 6 submitters: Uncertain significance (3); Benign (1); Likely benign (2). Last evaluated 2026-04-09.

Conditions:
Properdin deficiency, X-linked (CFPD). Also called: COMPLEMENT FACTOR PROPERDIN DEFICIENCY; Properdin deficiency, type 1; PROPERDIN DEFICIENCY, TYPE I; PROPERDIN P FACTOR DEFICIENCY. Identifiers: Orphanet 2966, MedGen C1839454, MONDO:0010713, OMIM 312060.
CFP-related disorder. Also called: CFP-related condition.

Allele frequency attached by ClinVar (database versions not stated): gnomAD exomes 0.00016 and 0.00024; ExAC 0.00018; gnomAD 0.00021 and 0.00022; TOPMed 0.00022.
gnomAD v4.1: 290 of 1,210,756 alleles (0.024%); highest among the groups gnomAD compares: Admixed American, 0.033%; no homozygotes.

Submissions (6):

Women's Health and Genetics/Laboratory Corporation of America, LabCorp
Classification: Uncertain significance. Last evaluated: 2026-04-09. Review status: criteria provided, single submitter. Criteria: LabCorp Variant Classification Summary - May 2015. Collection method: clinical testing. Allele origin: germline.
Comment: Variant summary: CFP c.716C>T (p.Pro239Leu) results in a non-conservative amino acid change in the encoded protein sequence. Algorithms developed to predict the effect of missense changes on protein structure and function are either unavailable or do not agree on the potential impact of this missense change. This frequency is not significantly higher than estimated for disease-causing variants in CFP, allowing no conclusion about variant significance. To our knowledge, no occurrence of c.716C>T in individuals affected with CFP-related conditions and no experimental evidence demonstrating its impact on protein function have been reported. ClinVar contains an entry for this variant (Variation ID: 827996). Based on the evidence outlined above, the variant was classified as uncertain significance.

Labcorp Genetics (formerly Invitae), Labcorp
Classification: Benign. Last evaluated: 2026-01-01. Review status: criteria provided, single submitter. Criteria: Invitae Variant Classification Sherloc (09022015). Collection method: clinical testing. Allele origin: germline.

PreventionGenetics, part of Exact Sciences
Classification: Likely benign for CFP-related condition. Last evaluated: 2024-12-05. Review status: criteria provided, single submitter. Criteria: ACMG Guidelines, 2015. Collection method: clinical testing. Allele origin: germline.
Comment: This variant is classified as likely benign based on ACMG/AMP sequence variant interpretation guidelines (Richards et al. 2015 PMID: 25741868, with internal and published modifications).

Blueprint Genetics
Classification: Likely benign. Last evaluated: 2024-11-08. Review status: criteria provided, single submitter. Criteria: ACMG Guidelines, 2015. Collection method: clinical testing. Allele origin: germline.

Center for Genomics, Ann and Robert H. Lurie Children's Hospital of Chicago
Classification: Uncertain significance for Properdin deficiency, X-linked. Last evaluated: 2021-03-30. Review status: criteria provided, single submitter. Criteria: ACMG Guidelines, 2015. Collection method: clinical testing. Allele origin: germline.
Comment: CFP NM_002621.2 exon6 p.Pro239Leu (c.716C>T): This variant has not been reported in the literature but is present in 0.02% (27/91272) of European alleles, including 9 hemizygotes in the Genome Aggregation Database. This variant amino acid Leucine (Leu) is present in three species (Rhesus, Egyptian Jerboa and Chinese hamster) and is not well conserved among evolutionarily distant species; this suggests that this variant may not impact the protein. Additional computational prediction tools do not suggest an impact. In summary, data on this variant is insufficient for disease classification. Therefore, the clinical significance of this variant is uncertain.

Department of Pathology and Laboratory Medicine, Sinai Health System
Classification: Uncertain significance for properdin deficiency, X-linked. Last evaluated: 2020-08-20. Review status: criteria provided, single submitter. Criteria: ACMG Guidelines, 2015. Collection method: research. Allele origin: germline.

NM_001145252.3(CFP):c.716C>T (p.Pro239Leu)

Gene: CFP (complement factor properdin; minus strand). Cytogenetic location: Xp11.23.
Variant type: single nucleotide variant.
Coding change: c.716C>T on transcript NM_001145252.3 (MANE Select); coding-DNA position 716, C replaced by T.
Protein change: p.Pro239Leu; replaces proline 239 with leucine.
Molecular consequence: missense variant.
Genome position (GRCh38, 1-based): chrX:47,627,191, G>A on the plus strand (C>T on the coding strand, the complement: CFP is on the minus strand). VCF-style: chrX-47627191-G-A. GRCh37 (hg19) VCF-style: chrX-47486590-G-A.
Other names: c.716C>T, p.Pro239Leu (NM_002621.2); short protein forms P239L.
Identifiers: ClinVar variation 827996 (VCV000827996.14), dbSNP rs200036265, ClinGen allele CA10398914.